The following is an entry in ClinVar:

NM_015541.3(LRIG1):c.3092C>G (p.Pro1031Arg)

Gene: LRIG1 (leucine rich repeats and immunoglobulin like domains 1; minus strand). Cytogenetic location: 3p14.1.
Variant type: single nucleotide variant.
Coding change: c.3092C>G on transcript NM_015541.3 (MANE Select); coding-DNA position 3092, C replaced by G.
Protein change: p.Pro1031Arg; replaces proline 1031 with arginine.
Molecular consequence: missense variant.
Genome position (GRCh38, 1-based): chr3:66,380,453, G>C on the plus strand (C>G on the coding strand, the complement: LRIG1 is on the minus strand). VCF-style: chr3-66380453-G-C. GRCh37 (hg19) VCF-style: chr3-66430877-G-C.
Other names: c.3017C>G, p.Pro1006Arg (NM_001377344.1); c.2312C>G, p.Pro771Arg (NM_001377345.1, NM_001377346.1); c.2090C>G, p.Pro697Arg (NM_001377347.1); c.2063C>G, p.Pro688Arg (NM_001377348.1); c.1808C>G, p.Pro603Arg (NM_001377349.1); short protein forms P1006R, P1031R, P603R, P688R, P697R, P771R.
Identifiers: ClinVar variation 3056821 (VCV003056821.2), dbSNP rs332374, ClinGen allele CA2484011.
Genomic context (GRCh38, chr3:66,380,453, plus strand): 5'-TCCGCGCGCTCTGGACTGCCTGAAGTTAATGAAGATGCAGGCTGTAGCTCTGTGGAGTCC[G>C]GGTGATACAACCTTGCTAAAGTCCAGGAAGAATCCCCTACAAGGAAAGAACGAACCTGTC-3'
Protein context (NP_056356.2, residues 1021-1041): SSWTLARLYH[Pro1031Arg]DSTELQPASS

ClinVar aggregate classification (germline): Benign (0 of 4 stars; one submission).

Conditions:
LRIG1-related disorder. Also called: LRIG1-related condition.

Allele frequency attached by ClinVar (database versions not stated): 1000 Genomes Project 0.06829; 1000 Genomes Project 30x 0.07011; ESP Exome Variant Server 0.07604; TOPMed 0.07639.
gnomAD v4.1: 74,073 of 1,614,004 alleles (4.6%); highest among the groups gnomAD compares: African/African-American, 14%; 2,405 homozygotes.

Submission:

PreventionGenetics, part of Exact Sciences
Classification: Benign for LRIG1-related condition. Last evaluated: 2019-02-21. Review status: no assertion criteria provided. Collection method: clinical testing. Allele origin: germline.
Comment: This variant is classified as benign based on ACMG/AMP sequence variant interpretation guidelines (Richards et al. 2015 PMID: 25741868, with internal and published modifications).